The following is an entry in ClinVar:

NM_007269.4(STXBP3):c.1682T>C (p.Ile561Thr)

Gene: STXBP3 (syntaxin binding protein 3; plus strand). Cytogenetic location: 1p13.3.
Variant type: single nucleotide variant.
Coding change: c.1682T>C on transcript NM_007269.4 (MANE Select); coding-DNA position 1682, T replaced by C.
Protein change: p.Ile561Thr; replaces isoleucine 561 with threonine.
Molecular consequence: missense variant.
Genome position (GRCh38, 1-based): chr1:108,807,547, T>C. VCF-style: chr1-108807547-T-C. GRCh37 (hg19) VCF-style: chr1-109350169-T-C.
Other names: short protein forms I561T.
Identifiers: ClinVar variation 3381182 (VCV003381182.2).

ClinVar aggregate classification (germline): Uncertain significance (1 of 4 stars; one submission).

Submission:

Center for Precision Genome Editing and Genetic Technologies for Biomedicine, Pirogov Russian National Research Medical University
Classification: Uncertain significance. Last evaluated: 2023-06-23. Review status: criteria provided, single submitter. Criteria: ACMG Guidelines, 2015. Collection method: clinical testing. Allele origin: germline. Affected: yes. Observed: 1 heterozygote.
Comment: This variant has not been detected in control samples or in patients with colitis, PM2. The pathogenicity prediction programs MetaRNN, REVEL, BayesDel addAF, and BayesDel noAF classify the variant as pathogenic, PP3.